The following is an entry in ClinVar:

ClinVar aggregate classification (germline): Conflicting classifications of pathogenicity. Review status: criteria provided, conflicting classifications (1 of 4 stars). 2 submissions from 2 submitters: Uncertain significance (1); Likely benign (1). Last evaluated 2025-01-18.

Conditions:
Inborn genetic diseases. Identifiers: MedGen C0950123, MeSH D030342.

Allele frequency attached by ClinVar (database versions not stated): gnomAD exomes below 0.00001 and 0.00001; ExAC 0.00001; gnomAD 0.00005; TOPMed 0.00005; ESP Exome Variant Server 0.00009.
gnomAD v4.1: 10 of 1,188,167 alleles (0.00084%); highest among the groups gnomAD compares: African/African-American, 0.016%; no homozygotes.

Submissions (2):

Ambry Genetics
Classification: Likely benign for Inborn genetic diseases. Last evaluated: 2025-01-18. Review status: criteria provided, single submitter. Criteria: Ambry Variant Classification Scheme 2023. Collection method: clinical testing. Allele origin: germline.

Labcorp Genetics (formerly Invitae), Labcorp
Classification: Uncertain significance. Last evaluated: 2021-11-15. Review status: criteria provided, single submitter. Criteria: Invitae Variant Classification Sherloc (09022015). Collection method: clinical testing. Allele origin: germline.
Comment: In summary, the available evidence is currently insufficient to determine the role of this variant in disease. Therefore, it has been classified as a Variant of Uncertain Significance. Algorithms developed to predict the effect of missense changes on protein structure and function (SIFT, PolyPhen-2, Align-GVGD) all suggest that this variant is likely to be tolerated. This variant has not been reported in the literature in individuals affected with MBTPS2-related conditions. This variant is present in population databases (rs373607391, gnomAD 0.02%), including at least one homozygous and/or hemizygous individual. This sequence change replaces tyrosine, which is neutral and polar, with histidine, which is basic and polar, at codon 419 of the MBTPS2 protein (p.Tyr419His).

NM_015884.4(MBTPS2):c.1255T>C (p.Tyr419His)

Gene: MBTPS2 (membrane bound transcription factor peptidase, site 2; plus strand). Cytogenetic location: Xp22.12.
Variant type: single nucleotide variant.
Coding change: c.1255T>C on transcript NM_015884.4 (MANE Select); coding-DNA position 1255, T replaced by C.
Protein change: p.Tyr419His; replaces tyrosine 419 with histidine.
Molecular consequence: missense variant.
Genome position (GRCh38, 1-based): chrX:21,878,686, T>C. VCF-style: chrX-21878686-T-C. GRCh37 (hg19) VCF-style: chrX-21896804-T-C.
Other names: c.1255T>C (NM_015884.3); short protein forms Y419H.
Identifiers: ClinVar variation 1508706 (VCV001508706.7), dbSNP rs373607391, ClinGen allele CA10367665.